The following is an entry in ClinVar:

NM_004859.4(CLTC):c.*9G>A

Gene: CLTC (clathrin heavy chain; plus strand). Cytogenetic location: 17q23.1.
Variant type: single nucleotide variant.
Coding change: c.*9G>A on transcript NM_004859.4 (MANE Select); 9 bases downstream of the stop codon, G replaced by A.
Molecular consequence: 3 prime UTR variant.
Genome position (GRCh38, 1-based): chr17:59,693,861, G>A. VCF-style: chr17-59693861-G-A. GRCh37 (hg19) VCF-style: chr17-57771222-G-A.
Other names: c.*9G>A (NM_001288653.2).
Identifiers: ClinVar variation 3351653 (VCV003351653.2).

ClinVar aggregate classification (germline): Likely benign. Review status: criteria provided, single submitter (1 of 4 stars). 2 submissions from 2 submitters: Likely benign (1). 1 of the submissions does not count toward it. Last evaluated 2024-10-10.

Conditions:
CLTC-related disorder. Also called: CLTC-related condition.

gnomAD v4.1: 175 of 1,606,840 alleles (0.011%); highest among the groups gnomAD compares: African/African-American, 0.15%; no homozygotes.

Submissions (2):

Blueprint Genetics
Classification: Likely benign. Last evaluated: 2024-10-10. Review status: criteria provided, single submitter. Criteria: ACMG Guidelines, 2015. Collection method: clinical testing. Allele origin: germline.

PreventionGenetics, part of Exact Sciences
Classification: Likely benign for CLTC-related condition. Last evaluated: 2024-08-22. Review status: no assertion criteria provided. Collection method: clinical testing. Allele origin: germline. Not counted in ClinVar's aggregate classification.
Comment: This variant is classified as likely benign based on ACMG/AMP sequence variant interpretation guidelines (Richards et al. 2015 PMID: 25741868, with internal and published modifications).